The following is an entry in ClinVar:

NM_032608.7(MYO18B):c.2677G>T (p.Asp893Tyr)

Gene: MYO18B (myosin XVIIIB; plus strand). Cytogenetic location: 22q12.1.
Variant type: single nucleotide variant.
Coding change: c.2677G>T on transcript NM_032608.7 (MANE Select); coding-DNA position 2677, G replaced by T.
Protein change: p.Asp893Tyr; replaces aspartic acid 893 with tyrosine.
Molecular consequence: missense variant.
Genome position (GRCh38, 1-based): chr22:25,823,660, G>T. VCF-style: chr22-25823660-G-T. GRCh37 (hg19) VCF-style: chr22-26219627-G-T.
Other names: c.2677G>T, p.Asp893Tyr (NM_001318245.2); c.2677G>T (NM_032608.5); short protein forms D893Y.
Identifiers: ClinVar variation 1690767 (VCV001690767.10), dbSNP rs372933587, ClinGen allele CA10160261.

ClinVar aggregate classification (germline): Conflicting classifications of pathogenicity. Review status: criteria provided, conflicting classifications (1 of 4 stars). 4 submissions from 4 submitters: Uncertain significance (3); Likely benign (1). Last evaluated 2024-09-04.

Conditions:
Inborn genetic diseases. Identifiers: MedGen C0950123, MeSH D030342.

Allele frequency attached by ClinVar (database versions not stated): ExAC 0.00001; gnomAD exomes 0.00001; gnomAD 0.00004; ESP Exome Variant Server 0.00008; TOPMed 0.00009.
gnomAD v4.1: 10 of 1,613,974 alleles (0.00062%); highest among the groups gnomAD compares: African/African-American, 0.012%; no homozygotes.

Submissions (4):

Ambry Genetics
Classification: Uncertain significance for Inborn genetic diseases. Last evaluated: 2024-09-04. Review status: criteria provided, single submitter. Criteria: Ambry Variant Classification Scheme 2023. Collection method: clinical testing. Allele origin: germline.

Labcorp Genetics (formerly Invitae), Labcorp
Classification: Uncertain significance. Last evaluated: 2023-11-19. Review status: criteria provided, single submitter. Criteria: Invitae Variant Classification Sherloc (09022015). Collection method: clinical testing. Allele origin: germline.
Comment: This sequence change replaces aspartic acid, which is acidic and polar, with tyrosine, which is neutral and polar, at codon 893 of the MYO18B protein (p.Asp893Tyr). This variant is present in population databases (rs372933587, gnomAD 0.01%). This variant has not been reported in the literature in individuals affected with MYO18B-related conditions. ClinVar contains an entry for this variant (Variation ID: 1690767). An algorithm developed to predict the effect of missense changes on protein structure and function (PolyPhen-2) suggests that this variant is likely to be disruptive. In summary, the available evidence is currently insufficient to determine the role of this variant in disease. Therefore, it has been classified as a Variant of Uncertain Significance.

GeneDx
Classification: Uncertain significance. Last evaluated: 2022-08-06. Review status: criteria provided, single submitter. Criteria: GeneDx Variant Classification Process June 2021. Collection method: clinical testing. Allele origin: germline. Affected: yes.
Comment: In silico analysis supports that this missense variant has a deleterious effect on protein structure/function; Has not been previously published as pathogenic or benign to our knowledge

Laboratorio de Genetica e Diagnostico Molecular, Hospital Israelita Albert Einstein
Classification: Likely benign. Last evaluated: 2020-01-03. Review status: criteria provided, single submitter. Criteria: ACMG Guidelines, 2015. Collection method: clinical testing. Allele origin: germline. Affected: yes.
Comment: ACMG classification criteria: PM2, BP1, BP4